The following is an entry in ClinVar:

ClinVar aggregate classification (germline): Likely benign (1 of 4 stars; one submission).

Submission:

CeGaT Center for Human Genetics Tuebingen
Classification: Likely benign. Last evaluated: 2023-05-01. Review status: criteria provided, single submitter. Criteria: CeGaT Center For Human Genetics Tuebingen Variant Classification Criteria Version 2. Collection method: clinical testing. Allele origin: germline. Affected: yes. Observed: 4 variant alleles.
Comment: GLI3: BS1

NM_000168.6(GLI3):c.-116_-110del

Gene: GLI3 (GLI family zinc finger 3; minus strand). Cytogenetic location: 7p14.1.
Variant type: Deletion.
Coding change: c.-116_-110del on transcript NM_000168.6 (MANE Select); 116 bases upstream of the start codon through 110 bases upstream of the start codon, 7 bases deleted (GGGGAGC; older notation c.-116_-110delGGGGAGC).
Molecular consequence: 5 prime UTR variant.
Genome position (GRCh38, 1-based): chr7:42,237,038-42,237,044, GCTCCCC deleted on the plus strand (GGGGAGC on the coding strand, the reverse complement: GLI3 is on the minus strand); deleting any 7 consecutive bases within chr7:42,237,038-42,237,049 gives the same sequence; the c. name uses the placement nearest the transcript's 3' end. VCF-style (leftmost placement, unchanged base first): chr7-42237037-GGCTCCCC-G. GRCh37 (hg19) VCF-style: chr7-42276636-GGCTCCCC-G.
Identifiers: ClinVar variation 2657415 (VCV002657415.24), dbSNP rs550509120, ClinGen allele CA157305618.
Genomic context (GRCh38, chr7:42,237,037, plus strand): 5'-CGGCAGCGGCTGTCAAGTCCCCGAACTTCCCATAGACCCGCGGACGGGGCGCAGGCTGGC[GGCTCCCC>G]GCTCCGCGCGGCCGCGGGCGGCTACGGCTACCGCGAGCGGCCGGGCTGGGCGCGGGGTGC-3'